The following is an entry in ClinVar:

ClinVar aggregate classification (germline): Uncertain significance. Review status: criteria provided, multiple submitters, no conflicts (2 of 4 stars). 2 submissions from 2 submitters: Uncertain significance (2). Last evaluated 2025-10-07.

Conditions:
Charcot-Marie-Tooth disease type 2. Also called: Charcot-Marie-Tooth type 2. Identifiers: Orphanet 64746, MedGen C0270914, MONDO:0018993.

Allele frequency attached by ClinVar (database versions not stated): gnomAD exomes below 0.00001 and 0.00001; TOPMed below 0.00001; gnomAD 0.00001.
gnomAD v4.1: 5 of 1,613,962 alleles (0.00031%); highest among the groups gnomAD compares: Non-Finnish European, 0.00042%; no homozygotes.

Submissions (2):

Ambry Genetics
Classification: Uncertain significance. Last evaluated: 2025-10-07. Review status: criteria provided, single submitter. Criteria: Ambry Variant Classification Scheme 2023. Collection method: clinical testing. Allele origin: germline.
Comment: The p.P775S variant (also known as c.2323C>T), located in coding exon 22 of the KIF1B gene, results from a C to T substitution at nucleotide position 2323. The proline at codon 775 is replaced by serine, an amino acid with similar properties. This amino acid position is highly conserved in available vertebrate species. In addition, the in silico prediction for this alteration is inconclusive. Since supporting evidence is limited at this time, the clinical significance of this alteration remains unclear.

Labcorp Genetics (formerly Invitae), Labcorp
Classification: Uncertain significance for Charcot-Marie-Tooth disease type 2. Last evaluated: 2024-05-15. Review status: criteria provided, single submitter. Criteria: Invitae Variant Classification Sherloc (09022015). Collection method: clinical testing. Allele origin: germline.
Comment: This sequence change replaces proline, which is neutral and non-polar, with serine, which is neutral and polar, at codon 775 of the KIF1B protein (p.Pro775Ser). This variant is present in population databases (no rsID available, gnomAD 0.0009%). This variant has not been reported in the literature in individuals affected with KIF1B-related conditions. ClinVar contains an entry for this variant (Variation ID: 1521506). An algorithm developed to predict the effect of missense changes on protein structure and function (PolyPhen-2) suggests that this variant is likely to be disruptive. In summary, the available evidence is currently insufficient to determine the role of this variant in disease. Therefore, it has been classified as a Variant of Uncertain Significance.

NM_001365951.3(KIF1B):c.2461C>T (p.Pro821Ser)

Gene: KIF1B (kinesin family member 1B; plus strand). Cytogenetic location: 1p36.22.
Variant type: single nucleotide variant.
Coding change: c.2461C>T on transcript NM_001365951.3 (MANE Select); coding-DNA position 2461, C replaced by T.
Protein change: p.Pro821Ser; replaces proline 821 with serine.
Molecular consequence: missense variant.
Genome position (GRCh38, 1-based): chr1:10,323,986, C>T. VCF-style: chr1-10323986-C-T. GRCh37 (hg19) VCF-style: chr1-10384044-C-T.
Other names: c.2461C>T, p.Pro821Ser (NM_001365952.1); c.2323C>T, p.Pro775Ser (NM_015074.3); short protein forms P821S, P775S.
Identifiers: ClinVar variation 1521506 (VCV001521506.9), dbSNP rs1381096991, ClinGen allele CA338334756.